The following is an entry in ClinVar:

ClinVar aggregate classification (germline): Uncertain significance (1 of 4 stars; one submission).

Conditions:
Hereditary hemorrhagic telangiectasia (HHT). Also called: ORW DISEASE; Osler Weber Rendu syndrome; OSLER-RENDU-WEBER DISEASE; Osler hemorrhagic telangiectasia syndrome. Identifiers: Orphanet 774, MedGen C0039445, MONDO:0019180. Disease mechanism: loss of function.

Allele frequency attached by ClinVar (database versions not stated): ExAC 0.00001; gnomAD 0.00001; gnomAD exomes 0.00001; TOPMed 0.00002.
gnomAD v4.1: 4 of 1,613,596 alleles (0.00025%); highest among the groups gnomAD compares: East Asian, 0.0067%; no homozygotes.

Submission:

Labcorp Genetics (formerly Invitae), Labcorp
Classification: Uncertain significance for Hereditary hemorrhagic telangiectasia. Last evaluated: 2024-12-28. Review status: criteria provided, single submitter. Criteria: Invitae Variant Classification Sherloc (09022015). Collection method: clinical testing. Allele origin: germline.
Comment: This sequence change replaces isoleucine, which is neutral and non-polar, with valine, which is neutral and non-polar, at codon 281 of the ENG protein (p.Ile281Val). This variant is present in population databases (rs764640510, gnomAD 0.02%). This missense change has been observed in individual(s) with hereditary hemorrhagic telangiectasia (PMID: 30578397, 31400083). This variant is also known as c.A295G (p.I99V). ClinVar contains an entry for this variant (Variation ID: 948421). Invitae Evidence Modeling of protein sequence and biophysical properties (such as structural, functional, and spatial information, amino acid conservation, physicochemical variation, residue mobility, and thermodynamic stability) has been performed for this missense variant. However, the output from this modeling did not meet the statistical confidence thresholds required to predict the impact of this variant on ENG protein function. In summary, the available evidence is currently insufficient to determine the role of this variant in disease. Therefore, it has been classified as a Variant of Uncertain Significance.

Literature cited by the submitters: PubMed 30578397; PubMed 31400083.

NM_001114753.3(ENG):c.841A>G (p.Ile281Val)

Gene: ENG (endoglin; minus strand). Cytogenetic location: 9q34.11.
Variant type: single nucleotide variant.
Coding change: c.841A>G on transcript NM_001114753.3 (MANE Select); coding-DNA position 841, A replaced by G.
Protein change: p.Ile281Val; replaces isoleucine 281 with valine.
Molecular consequence: missense variant.
Genome position (GRCh38, 1-based): chr9:127,824,950, T>C on the plus strand (A>G on the coding strand, the complement: ENG is on the minus strand). VCF-style: chr9-127824950-T-C. GRCh37 (hg19) VCF-style: chr9-130587229-T-C.
Other names: c.841A>G, p.Ile281Val (NM_000118.4, NM_001406715.1); c.295A>G, p.Ile99Val (NM_001278138.2); short protein forms I281V, I99V.
Identifiers: ClinVar variation 948421 (VCV000948421.12), dbSNP rs764640510, ClinGen allele CA5252952.